The following is an entry in ClinVar:

ClinVar aggregate classification (germline): Uncertain significance (1 of 4 stars; one submission).

Conditions:
Autoimmune lymphoproliferative syndrome type 2A (ALPS2A). Also called: AUTOIMMUNE LYMPHOPROLIFERATIVE SYNDROME, TYPE IIA; CASP10-Related Autoimmune Lymphoproliferative Syndrome; Autoimmune lymphoproliferative syndrome type 2. Identifiers: Orphanet 3261, MedGen C1858968, MONDO:0011383, OMIM 603909.

gnomAD v4.1: 1 of 1,613,960 alleles (0.000062%); highest among the groups gnomAD compares: South Asian, 0.0011%; no homozygotes.

Submission:

Labcorp Genetics (formerly Invitae), Labcorp
Classification: Uncertain significance for Autoimmune lymphoproliferative syndrome type 2A. Last evaluated: 2025-01-06. Review status: criteria provided, single submitter. Criteria: Invitae Variant Classification Sherloc (09022015). Collection method: clinical testing. Allele origin: germline.
Comment: This sequence change replaces alanine, which is neutral and non-polar, with glutamic acid, which is acidic and polar, at codon 519 of the CASP10 protein (p.Ala519Glu). This variant is not present in population databases (gnomAD no frequency). This variant has not been reported in the literature in individuals affected with CASP10-related conditions. An algorithm developed to predict the effect of missense changes on protein structure and function outputs the following: PolyPhen-2: "Benign". The glutamic acid amino acid residue is found in multiple mammalian species, which suggests that this missense change does not adversely affect protein function. In summary, the available evidence is currently insufficient to determine the role of this variant in disease. Therefore, it has been classified as a Variant of Uncertain Significance.

NM_032977.4(CASP10):c.1556C>A (p.Ala519Glu)

Gene: CASP10 (caspase 10; plus strand). Cytogenetic location: 2q33.1.
Variant type: single nucleotide variant.
Coding change: c.1556C>A on transcript NM_032977.4 (MANE Select); coding-DNA position 1556, C replaced by A.
Protein change: p.Ala519Glu; replaces alanine 519 with glutamic acid.
Molecular consequence: missense variant. On other transcripts: 3 prime UTR variant (1), intron variant (2).
Genome position (GRCh38, 1-based): chr2:201,217,728, C>A. VCF-style: chr2-201217728-C-A. GRCh37 (hg19) VCF-style: chr2-202082451-C-A.
Other names: c.1355C>A, p.Ala452Glu (NM_001206524.2); c.1427C>A, p.Ala476Glu (NM_001230.5); c.*642C>A (NM_032976.4); c.1415+8166C>A (NM_032974.5); c.1286+8166C>A (NM_001206542.2); short protein forms A452E, A476E, A519E.
Identifiers: ClinVar variation 3760251 (VCV003760251.2).
Genomic context (GRCh38, chr2:201,217,728, plus strand): 5'-AGATGCCCCAGCCTGCTTTCACACTAAGGAAAAAACTAGTATTCCCTGTGCCCCTGGATG[C>A]ACTTTCATTATAGCAGAGAGTTTTTGTTGGTTCTTAGACCTCAAACGAATCATTGGCTAT-3'
Protein context (NP_116759.2, residues 509-522): KKLVFPVPLD[Ala519Glu]LSL